The following is an entry in ClinVar:

NM_014112.5(TRPS1):c.3797C>T (p.Thr1266Met)

Gene: TRPS1 (transcriptional repressor GATA binding 1; minus strand). Cytogenetic location: 8q23.3.
Variant type: single nucleotide variant.
Coding change: c.3797C>T on transcript NM_014112.5 (MANE Select); coding-DNA position 3797, C replaced by T.
Protein change: p.Thr1266Met; replaces threonine 1266 with methionine.
Molecular consequence: missense variant.
Genome position (GRCh38, 1-based): chr8:115,414,111, G>A on the plus strand (C>T on the coding strand, the complement: TRPS1 is on the minus strand). VCF-style: chr8-115414111-G-A. GRCh37 (hg19) VCF-style: chr8-116426339-G-A.
Other names: c.3797C>T (NM_014112.2); c.3770C>T, p.Thr1257Met (NM_001282902.3); c.3776C>T, p.Thr1259Met (NM_001282903.3); c.3758C>T, p.Thr1253Met (NM_001330599.2); short protein forms T1257M, T1266M, T1253M, T1259M.
Identifiers: ClinVar variation 1347607 (VCV001347607.7), dbSNP rs376875568, ClinGen allele CA4851445.

ClinVar aggregate classification (germline): Conflicting classifications of pathogenicity. Review status: criteria provided, conflicting classifications (1 of 4 stars). 2 submissions from 2 submitters: Uncertain significance (1); Likely benign (1). Last evaluated 2025-02-17.

Conditions:
Trichorhinophalangeal syndrome, type III (TRPS3). Also called: SUGIO-KAJII SYNDROME. Identifiers: Orphanet 77258, MedGen C1860823, OMIM 190351, MONDO:0008597.
Trichorhinophalangeal dysplasia type I (TRPS1). Also called: TRICHORHINOPHALANGEAL SYNDROME, TYPE I; TRPS I. Identifiers: Orphanet 77258, MedGen C0432233, MONDO:0008596, OMIM 190350.
Inborn genetic diseases. Identifiers: MedGen C0950123, MeSH D030342.

Allele frequency attached by ClinVar (database versions not stated): TOPMed 0.00006; gnomAD 0.00007 and 0.00008; gnomAD exomes 0.00007 and 0.00016; ESP Exome Variant Server 0.00008; ExAC 0.00009.
gnomAD v4.1: 243 of 1,613,644 alleles (0.015%); highest among the groups gnomAD compares: Non-Finnish European, 0.019%; no homozygotes.

Submissions (2):

Labcorp Genetics (formerly Invitae), Labcorp
Classification: Uncertain significance for Trichorhinophalangeal syndrome, type III; Trichorhinophalangeal dysplasia type I. Last evaluated: 2025-02-17. Review status: criteria provided, single submitter. Criteria: Invitae Variant Classification Sherloc (09022015). Collection method: clinical testing. Allele origin: germline.
Comment: This sequence change replaces threonine, which is neutral and polar, with methionine, which is neutral and non-polar, at codon 1266 of the TRPS1 protein (p.Thr1266Met). This variant is present in population databases (rs376875568, gnomAD 0.01%), and has an allele count higher than expected for a pathogenic variant. This variant has not been reported in the literature in individuals affected with TRPS1-related conditions. ClinVar contains an entry for this variant (Variation ID: 1347607). Invitae Evidence Modeling of protein sequence and biophysical properties (such as structural, functional, and spatial information, amino acid conservation, physicochemical variation, residue mobility, and thermodynamic stability) indicates that this missense variant is not expected to disrupt TRPS1 protein function with a negative predictive value of 80%. In summary, the available evidence is currently insufficient to determine the role of this variant in disease. Therefore, it has been classified as a Variant of Uncertain Significance.

Ambry Genetics
Classification: Likely benign for Inborn genetic diseases. Last evaluated: 2023-02-14. Review status: criteria provided, single submitter. Criteria: Ambry Variant Classification Scheme 2023. Collection method: clinical testing. Allele origin: germline.